The following is an entry in ClinVar:

ClinVar aggregate classification (germline): Uncertain significance (1 of 4 stars; one submission).

Submission:

Labcorp Genetics (formerly Invitae), Labcorp
Classification: Uncertain significance. Last evaluated: 2022-11-01. Review status: criteria provided, single submitter. Criteria: Invitae Variant Classification Sherloc (09022015). Collection method: clinical testing. Allele origin: germline.
Comment: In summary, the available evidence is currently insufficient to determine the role of this variant in disease. Therefore, it has been classified as a Variant of Uncertain Significance. Advanced modeling of protein sequence and biophysical properties (such as structural, functional, and spatial information, amino acid conservation, physicochemical variation, residue mobility, and thermodynamic stability) performed at Invitae indicates that this missense variant is not expected to disrupt TBCK protein function. This variant has not been reported in the literature in individuals affected with TBCK-related conditions. This variant is not present in population databases (gnomAD no frequency). This sequence change replaces threonine, which is neutral and polar, with alanine, which is neutral and non-polar, at codon 435 of the TBCK protein (p.Thr435Ala).

NM_001163435.3(TBCK):c.1303A>G (p.Thr435Ala)

Gene: TBCK (TBC1 domain containing kinase; minus strand). Cytogenetic location: 4q24.
Variant type: single nucleotide variant.
Coding change: c.1303A>G on transcript NM_001163435.3 (MANE Select); coding-DNA position 1303, A replaced by G.
Protein change: p.Thr435Ala; replaces threonine 435 with alanine.
Molecular consequence: missense variant.
Genome position (GRCh38, 1-based): chr4:106,236,437, T>C on the plus strand (A>G on the coding strand, the complement: TBCK is on the minus strand). VCF-style: chr4-106236437-T-C. GRCh37 (hg19) VCF-style: chr4-107157594-T-C.
Other names: c.1303A>G, p.Thr435Ala (NM_001163436.4); c.1186A>G, p.Thr396Ala (NM_001163437.3); c.787A>G, p.Thr263Ala (NM_001290768.2); c.1114A>G, p.Thr372Ala (NM_033115.5); short protein forms T396A, T263A, T372A, T435A.
Identifiers: ClinVar variation 2107899 (VCV002107899.2), dbSNP rs2477882739, ClinGen allele CA357823212.